The following is an entry in ClinVar:

ClinVar aggregate classification (germline): Uncertain significance (1 of 4 stars; one submission).

Conditions:
Autosomal dominant polycystic kidney disease. Identifiers: Orphanet 730, MedGen C0085413, MONDO:0004691.

gnomAD v4.1: 5 of 1,614,152 alleles (0.00031%); highest among the groups gnomAD compares: East Asian, 0.0022%; no homozygotes.

Submission:

Labcorp Genetics (formerly Invitae), Labcorp
Classification: Uncertain significance for Autosomal dominant polycystic kidney disease. Last evaluated: 2024-10-01. Review status: criteria provided, single submitter. Criteria: Invitae Variant Classification Sherloc (09022015). Collection method: clinical testing. Allele origin: germline.
Comment: This sequence change replaces methionine, which is neutral and non-polar, with threonine, which is neutral and polar, at codon 870 of the PKD2 protein (p.Met870Thr). This variant is present in population databases (no rsID available, gnomAD 0.006%). This variant has not been reported in the literature in individuals affected with PKD2-related conditions. Invitae Evidence Modeling of protein sequence and biophysical properties (such as structural, functional, and spatial information, amino acid conservation, physicochemical variation, residue mobility, and thermodynamic stability) indicates that this missense variant is expected to disrupt PKD2 protein function with a positive predictive value of 80%. In summary, the available evidence is currently insufficient to determine the role of this variant in disease. Therefore, it has been classified as a Variant of Uncertain Significance.

NM_000297.4(PKD2):c.2609T>C (p.Met870Thr)

Gene: PKD2 (polycystin 2, transient receptor potential cation channel; plus strand). Cytogenetic location: 4q22.1.
Variant type: single nucleotide variant.
Coding change: c.2609T>C on transcript NM_000297.4 (MANE Select); coding-DNA position 2609, T replaced by C.
Protein change: p.Met870Thr; replaces methionine 870 with threonine.
Molecular consequence: missense variant. On other transcripts: non-coding transcript variant (1).
Genome position (GRCh38, 1-based): chr4:88,074,898, T>C. VCF-style: chr4-88074898-T-C. GRCh37 (hg19) VCF-style: chr4-88996050-T-C.
Other names: short protein forms M870T.
Identifiers: ClinVar variation 3679168 (VCV003679168.2).